The following is an entry in ClinVar:

NM_007259.5(VPS45):c.1448A>G (p.Lys483Arg)

Gene: VPS45 (vacuolar protein sorting 45 homolog; plus strand). Cytogenetic location: 1q21.2.
Variant type: single nucleotide variant.
Coding change: c.1448A>G on transcript NM_007259.5 (MANE Select); coding-DNA position 1448, A replaced by G.
Protein change: p.Lys483Arg; replaces lysine 483 with arginine.
Molecular consequence: missense variant. On other transcripts: non-coding transcript variant (1).
Genome position (GRCh38, 1-based): chr1:150,093,603, A>G. VCF-style: chr1-150093603-A-G. GRCh37 (hg19) VCF-style: chr1-150065699-A-G.
Other names: c.1133A>G, p.Lys378Arg (NM_001279353.2); c.1340A>G, p.Lys447Arg (NM_001279354.2); short protein forms K483R, K378R, K447R.
Identifiers: ClinVar variation 834669 (VCV000834669.13), dbSNP rs917642055, ClinGen allele CA29992582.

ClinVar aggregate classification (germline): Uncertain significance. Review status: criteria provided, single submitter (1 of 4 stars). 2 submissions from 2 submitters: Uncertain significance (1). 1 of the submissions does not count toward it. Last evaluated 2023-06-13.

Conditions:
Congenital neutropenia-myelofibrosis-nephromegaly syndrome. Also called: Severe congenital neutropenia 5, autosomal recessive. Identifiers: Orphanet 369852, MedGen C3809031, MONDO:0014118, OMIM 615285.

Allele frequency attached by ClinVar (database versions not stated): gnomAD exomes below 0.00001; TOPMed below 0.00001; gnomAD 0.00001.
gnomAD v4.1: 2 of 1,613,898 alleles (0.00012%); highest among the groups gnomAD compares: Non-Finnish European, 0.00017%; no homozygotes.

Submissions (2):

Labcorp Genetics (formerly Invitae), Labcorp
Classification: Uncertain significance for Congenital neutropenia-myelofibrosis-nephromegaly syndrome. Last evaluated: 2023-06-13. Review status: criteria provided, single submitter. Criteria: Invitae Variant Classification Sherloc (09022015). Collection method: clinical testing. Allele origin: germline.
Comment: This variant is not present in population databases (gnomAD no frequency). This sequence change replaces lysine, which is basic and polar, with arginine, which is basic and polar, at codon 483 of the VPS45 protein (p.Lys483Arg). In summary, the available evidence is currently insufficient to determine the role of this variant in disease. Therefore, it has been classified as a Variant of Uncertain Significance. Advanced modeling of protein sequence and biophysical properties (such as structural, functional, and spatial information, amino acid conservation, physicochemical variation, residue mobility, and thermodynamic stability) performed at Invitae indicates that this missense variant is not expected to disrupt VPS45 protein function. ClinVar contains an entry for this variant (Variation ID: 834669). This variant has not been reported in the literature in individuals affected with VPS45-related conditions.

Natera, Inc.
Classification: Uncertain significance for Autosomal recessive severe congenital neutropenia 5. Last evaluated: 2021-01-04. Review status: no assertion criteria provided. Collection method: clinical testing. Allele origin: germline. Not counted in ClinVar's aggregate classification.